The following is an entry in ClinVar:

NM_001457.4(FLNB):c.2199+6T>C

Gene: FLNB (filamin B; plus strand). Cytogenetic location: 3p14.3.
Variant type: single nucleotide variant.
Coding change: c.2199+6T>C on transcript NM_001457.4 (MANE Select); 6 bases into the intron after coding-DNA position 2199, T replaced by C.
Molecular consequence: intron variant.
Genome position (GRCh38, 1-based): chr3:58,109,328, T>C. VCF-style: chr3-58109328-T-C. GRCh37 (hg19) VCF-style: chr3-58095055-T-C.
Other names: c.2199+6T>C (NM_001164317.2, NM_001164318.2, NM_001164319.2).
Identifiers: ClinVar variation 2755346 (VCV002755346.3), dbSNP rs2097264694, ClinGen allele CA1048377220.

ClinVar aggregate classification (germline): Uncertain significance (1 of 4 stars; one submission).

Allele frequency attached by ClinVar (database versions not stated): gnomAD exomes below 0.00001; gnomAD 0.00001; TOPMed 0.00001.
gnomAD v4.1: 4 of 1,612,230 alleles (0.00025%); highest among the groups gnomAD compares: Non-Finnish European, 0.00025%; no homozygotes.

Submission:

Labcorp Genetics (formerly Invitae), Labcorp
Classification: Uncertain significance. Last evaluated: 2023-08-27. Review status: criteria provided, single submitter. Criteria: Invitae Variant Classification Sherloc (09022015). Collection method: clinical testing. Allele origin: germline.
Comment: This variant has not been reported in the literature in individuals affected with FLNB-related conditions. This sequence change falls in intron 14 of the FLNB gene. It does not directly change the encoded amino acid sequence of the FLNB protein. It affects a nucleotide within the consensus splice site. This variant is not present in population databases (gnomAD no frequency). Variants that disrupt the consensus splice site are a relatively common cause of aberrant splicing (PMID: 17576681, 9536098). Algorithms developed to predict the effect of sequence changes on RNA splicing suggest that this variant is not likely to affect RNA splicing. In summary, the available evidence is currently insufficient to determine the role of this variant in disease. Therefore, it has been classified as a Variant of Uncertain Significance.

Literature cited by the submitters: PubMed 17576681; PubMed 9536098.